The following is an entry in ClinVar:

ClinVar aggregate classification (germline): Uncertain significance (1 of 4 stars; one submission).

gnomAD v4.1: 43 of 1,607,342 alleles (0.0027%); highest among the groups gnomAD compares: Non-Finnish European, 0.0033%; no homozygotes.

Submission:

Women's Health and Genetics/Laboratory Corporation of America, LabCorp
Classification: Uncertain significance. Last evaluated: 2025-12-12. Review status: criteria provided, single submitter. Criteria: LabCorp Variant Classification Summary - May 2015. Collection method: clinical testing. Allele origin: germline.
Comment: Variant summary: DNMT1 c.-4C>T is located in the untranslated mRNA region upstream of the initiation codon. The variant allele was found at a frequency of 1.7e-05 in 230404 control chromosomes. The available data on variant occurrences in the general population are insufficient to allow any conclusion about variant significance. To our knowledge, no occurrence of c.-4C>T in individuals affected with DNMT1-related conditions and no experimental evidence demonstrating its impact on protein function have been reported. No submitters have cited clinical-significance assessments for this variant to ClinVar. Based on the evidence outlined above, the variant was classified as uncertain significance.

NM_001130823.3(DNMT1):c.-4C>T

Gene: DNMT1 (DNA methyltransferase 1; minus strand). Cytogenetic location: 19p13.2.
Variant type: single nucleotide variant.
Coding change: c.-4C>T on transcript NM_001130823.3 (MANE Select); 4 bases upstream of the start codon, C replaced by T.
Molecular consequence: 5 prime UTR variant.
Genome position (GRCh38, 1-based): chr19:10,194,903, G>A on the plus strand (C>T on the coding strand, the complement: DNMT1 is on the minus strand). VCF-style: chr19-10194903-G-A. GRCh37 (hg19) VCF-style: chr19-10305579-G-A.
Other names: c.-4C>T (NM_001318730.2, NM_001379.4); c.-327C>T (NM_001318731.2).
Identifiers: ClinVar variation 4688339 (VCV004688339.1).